The following is an entry in ClinVar:

NM_000037.4(ANK1):c.4362G>A (p.Trp1454Ter)

Gene: ANK1 (ankyrin 1; minus strand). Cytogenetic location: 8p11.21.
Variant type: single nucleotide variant.
Coding change: c.4362G>A on transcript NM_000037.4 (MANE Select); coding-DNA position 4362, G replaced by A.
Protein change: p.Trp1454Ter; replaces tryptophan 1454 with a stop codon.
Molecular consequence: nonsense.
Genome position (GRCh38, 1-based): chr8:41,686,180, C>T on the plus strand (G>A on the coding strand, the complement: ANK1 is on the minus strand). VCF-style: chr8-41686180-C-T. GRCh37 (hg19) VCF-style: chr8-41543698-C-T.
Other names: c.4485G>A, p.Trp1495Ter (NM_001142446.2); c.4362G>A, p.Trp1454Ter (NM_020475.3, NM_020476.3, NM_020477.3); short protein forms W1454*, W1495*.
Identifiers: ClinVar variation 4685984 (VCV004685984.1).

ClinVar aggregate classification (germline): Pathogenic (1 of 4 stars; one submission).

Conditions:
Hereditary spherocytosis type 1. Also called: Spherocytosis type 1; ANK1-Related Spherocytosis. Identifiers: Orphanet 822, MedGen C2674218, MONDO:0008447, OMIM 182900.

Submission:

ARUP Laboratories, Molecular Genetics and Genomics, ARUP Laboratories
Classification: Pathogenic for Hereditary spherocytosis type 1. Last evaluated: 2025-07-25. Review status: criteria provided, single submitter. Criteria: ARUP Molecular Germline Variant Investigation Process 2024. Collection method: clinical testing. Allele origin: germline.
Comment: The ANK1 c.4362G>A; p.Trp1454Ter variant, to our knowledge, is not reported in the medical literature or gene specific databases. This variant is also absent from the Genome Aggregation Database (v2.1.1), indicating it is not a common polymorphism. This variant induces an early termination codon and is predicted to result in a truncated protein or mRNA subject to nonsense-mediated decay. Based on available information, this variant is considered to be pathogenic.